The following is an entry in ClinVar:

NM_012186.3(FOXE3):c.543G>T (p.Gly181=)

Genes: FOXE3 (forkhead box E3; plus strand), LINC01389 (long independently transcribed non-coding RNA 1389; minus strand). Cytogenetic location: 1p33.
Variant type: single nucleotide variant.
Coding change: c.543G>T on transcript NM_012186.3 (MANE Select); coding-DNA position 543, G replaced by T.
Protein change: p.Gly181=; no amino-acid change (glycine 181 retained).
Molecular consequence: synonymous variant.
Genome position (GRCh38, 1-based): chr1:47,416,858, G>T. VCF-style: chr1-47416858-G-T. GRCh37 (hg19) VCF-style: chr1-47882530-G-T.
Identifiers: ClinVar variation 1050677 (VCV001050677.11), dbSNP rs765016567, ClinGen allele CA842996.
Genomic context (GRCh38, chr1:47,416,858, plus strand): 5'-GCGGCGCCGCAAGCGCTTCAAGCGCGCCGAGCTGCCCGCGCACGCGGCCGCGGCGCCAGG[G>T]CCGCCGCTCCCCTTCCCCTACGCGCCCTACGCGCCCGCGCCCGGCCCCGCGCTGCTGGTG-3'
Protein context (NP_036318.1, residues 171-191): ELPAHAAAAP[Gly181=]PPLPFPYAPY

ClinVar aggregate classification (germline): Likely benign. Review status: criteria provided, multiple submitters, no conflicts (2 of 4 stars). 3 submissions from 3 submitters: Likely benign (2). 1 of the submissions does not count toward it. Last evaluated 2026-01-08.

Conditions:
Congenital primary aphakia. Also called: ANTERIOR SEGMENT DYSGENESIS 2; Anterior segment dysgenesis 2, multiple subtypes. Identifiers: Orphanet 83461, MedGen C1853230, MONDO:0012456, OMIM 610256.
Anterior segment dysgenesis. Also called: Ocular anterior segment dysgenesis. Identifiers: Orphanet 88632, MedGen C1862839, MONDO:0019503, HP:0007700.

Allele frequency attached by ClinVar (database versions not stated): gnomAD 0.00002; gnomAD exomes 0.00002.

Submissions (3):

Labcorp Genetics (formerly Invitae), Labcorp
Classification: Likely benign for Anterior segment dysgenesis; Congenital primary aphakia. Last evaluated: 2026-01-08. Review status: criteria provided, single submitter. Criteria: Invitae Variant Classification Sherloc (09022015). Collection method: clinical testing. Allele origin: germline.

ARUP Laboratories, Molecular Genetics and Genomics, ARUP Laboratories
Classification: Likely benign. Last evaluated: 2024-08-14. Review status: criteria provided, single submitter. Criteria: ARUP Molecular Germline Variant Investigation Process 2024. Collection method: clinical testing. Allele origin: germline.

Department of Pathology and Laboratory Medicine, Sinai Health System
Classification: Uncertain significance. Review status: no assertion criteria provided. Collection method: clinical testing. Allele origin: unknown. Affected: yes. Study: The Canadian Open Genetics Repository (COGR). Not counted in ClinVar's aggregate classification.
Comment: The FOXE3 p.Gly181Gly variant was not identified in the literature nor was it identified in ClinVar or LOVD 3.0. The variant was identified in dbSNP (ID: rs765016567) and in control databases in 1 of 62082 chromosomes at a frequency of 0.00001611 (Genome Aggregation Database March 6, 2019, v2.1.1). The variant was observed in the European (non-Finnish) population in 1 of 23420 chromosomes (freq: 0.000043), but was not observed in the African, Latino, Ashkenazi Jewish, East Asian, European (Finnish), Other, or South Asian populations. The p.Gly181Gly variant is not expected to have clinical significance because it does not result in a change of amino acid and is not located in a known consensus splice site. However, three of four in silico or computational prediction software programs (SpliceSiteFinder, MaxEntScan, NNSPLICE, GeneSplicer) predict a greater than 10% difference in splicing, although this has not been confirmed by RNA analysis and is not predictive enough to assume pathogenicity. In summary, based on the above information the clinical significance of this variant cannot be determined with certainty at this time. This variant is classified as a variant of uncertain significance.